The following is an entry in ClinVar:

NM_004770.3(KCNB2):c.81T>C (p.Ile27=)

Gene: KCNB2 (potassium voltage-gated channel subfamily B member 2; plus strand). Cytogenetic location: 8q21.11.
Variant type: single nucleotide variant.
Coding change: c.81T>C on transcript NM_004770.3 (MANE Select); coding-DNA position 81, T replaced by C.
Protein change: p.Ile27=; no amino-acid change (isoleucine 27 retained).
Molecular consequence: synonymous variant.
Genome position (GRCh38, 1-based): chr8:72,567,815, T>C. VCF-style: chr8-72567815-T-C. GRCh37 (hg19) VCF-style: chr8-73480050-T-C.
Identifiers: ClinVar variation 3052365 (VCV003052365.2), dbSNP rs2487564423, ClinGen allele CA461772148.

ClinVar aggregate classification (germline): Likely benign (0 of 4 stars; one submission).

Conditions:
KCNB2-related disorder. Also called: KCNB2-related condition.

Submission:

PreventionGenetics, part of Exact Sciences
Classification: Likely benign for KCNB2-related condition. Last evaluated: 2019-08-13. Review status: no assertion criteria provided. Collection method: clinical testing. Allele origin: germline.
Comment: This variant is classified as likely benign based on ACMG/AMP sequence variant interpretation guidelines (Richards et al. 2015 PMID: 25741868, with internal and published modifications).